The following is an entry in ClinVar:

ClinVar aggregate classification (germline): Benign (1 of 4 stars; one submission).

Conditions:
Familial adenomatous polyposis 1 (FAP1). Also called: FAMILIAL ADENOMATOUS POLYPOSIS 1, ATTENUATED; POLYPOSIS, ADENOMATOUS INTESTINAL. Identifiers: MedGen C2713442, MONDO:0021056, OMIM 175100. Disease mechanism: loss of function.

Submission:

Myriad Genetics, Inc.
Classification: Benign for Familial adenomatous polyposis 1. Last evaluated: 2024-04-04. Review status: criteria provided, single submitter. Criteria: Myriad Autosomal Dominant, Autosomal Recessive and X-Linked Classification Criteria (2023). Collection method: clinical testing. Allele origin: unknown.
Comment: This variant is considered benign. This variant is a silent/synonymous amino acid change and it is not expected to impact splicing.

NM_000038.6(APC):c.6390T>C (p.Ser2130=)

Gene: APC (APC regulator of Wnt signaling pathway; plus strand). Cytogenetic location: 5q22.2.
Variant type: single nucleotide variant.
Coding change: c.6390T>C on transcript NM_000038.6 (MANE Select); coding-DNA position 6390, T replaced by C.
Protein change: p.Ser2130=; no amino-acid change (serine 2130 retained).
Molecular consequence: synonymous variant. On other transcripts: non-coding transcript variant (2).
Genome position (GRCh38, 1-based): chr5:112,841,984, T>C. VCF-style: chr5-112841984-T-C. GRCh37 (hg19) VCF-style: chr5-112177681-T-C.
Other names: c.6390T>C, p.Ser2130= (NM_001127510.3, NM_001354895.2, NM_001407450.1); c.6336T>C, p.Ser2112= (NM_001127511.3); c.6444T>C, p.Ser2148= (NM_001354896.2, NM_001407447.1, NM_001407448.1 and 1 more transcripts); c.6420T>C, p.Ser2140= (NM_001354897.2); c.6315T>C, p.Ser2105= (NM_001354898.2); c.6306T>C, p.Ser2102= (NM_001354899.2); c.6267T>C, p.Ser2089= (NM_001354900.2); c.6213T>C, p.Ser2071= (NM_001354901.2, NM_001407453.1); and 11 more.
Identifiers: ClinVar variation 3254467 (VCV003254467.1), dbSNP rs2533711344.